The following is an entry in ClinVar:

NM_000256.3(MYBPC3):c.237C>A (p.Tyr79Ter)

Gene: MYBPC3 (myosin binding protein C3; minus strand). Cytogenetic location: 11p11.2.
Variant type: single nucleotide variant.
Coding change: c.237C>A on transcript NM_000256.3 (MANE Select); coding-DNA position 237, C replaced by A.
Protein change: p.Tyr79Ter; replaces tyrosine 79 with a stop codon.
Molecular consequence: nonsense.
Genome position (GRCh38, 1-based): chr11:47,351,294, G>T on the plus strand (C>A on the coding strand, the complement: MYBPC3 is on the minus strand). VCF-style: chr11-47351294-G-T. GRCh37 (hg19) VCF-style: chr11-47372845-G-T.
Other names: c.237C>A, p.Tyr79Ter (LRG_386t1); short protein forms Y79*.
Identifiers: ClinVar variation 407333 (VCV000407333.12), dbSNP rs730880698, ClinGen allele CA16613590.
Genomic context (GRCh38, chr11:47,351,294, plus strand): 5'-CTTACCTGCCTCTATGACCTTGAGGTCGAACTTGACCTTGGAGGAGCCAGCAATGACTGC[G>T]TAAGATCCCTGGTCGGCAGGGCCCACTTCCCGCACTGTCAGCGTATGCCGTGTGCCCTCT-3'

ClinVar aggregate classification (germline): Pathogenic. Review status: criteria provided, multiple submitters, no conflicts (2 of 4 stars). 2 submissions from 2 submitters: Pathogenic (2). Last evaluated 2024-05-22.

Conditions:
Hypertrophic cardiomyopathy. Also called: HYPERTROPHIC MYOCARDIOPATHY. Identifiers: Orphanet 217569, MedGen C0007194, MeSH D002312, MONDO:0005045, HP:0001639.

Submissions (2):

Labcorp Genetics (formerly Invitae), Labcorp
Classification: Pathogenic for Hypertrophic cardiomyopathy. Last evaluated: 2024-05-22. Review status: criteria provided, single submitter. Criteria: Invitae Variant Classification Sherloc (09022015). Collection method: clinical testing. Allele origin: germline.
Comment: This sequence change creates a premature translational stop signal (p.Tyr79*) in the MYBPC3 gene. It is expected to result in an absent or disrupted protein product. Loss-of-function variants in MYBPC3 are known to be pathogenic (PMID: 19574547). This variant is not present in population databases (gnomAD no frequency). This premature translational stop signal has been observed in individual(s) with hypertrophic cardiomyopathy (PMID: 19574547, 23140321, 24510615). ClinVar contains an entry for this variant (Variation ID: 407333). For these reasons, this variant has been classified as Pathogenic.

GeneDx
Classification: Pathogenic. Last evaluated: 2017-03-14. Review status: criteria provided, single submitter. Criteria: GeneDx Variant Classification (06012015). Collection method: clinical testing. Allele origin: germline. Affected: yes.
Comment: The Y79X (c.237 C>A) variant in the MYBPC3 gene has been reported in at least 3 individuals with confirmedhypertrophic cardiomyopathy (HCM) or who were referred for HCM gene testing (Kapplinger et al., 2014; Bos et al.,2014). This variant is predicted to cause loss of normal protein function either by protein truncation or nonsensemediatedmRNA decay. Other nonsense variants in the MYBPC3 gene, including a different nonsense variant at thesame residue (c.237 C>G), have been reported in Human Gene Mutation Database in association with HCM (Stensonet al., 2014), indicating that loss of function is a known disease mechanism. Finally, the Y79X (c.237 C>A) variantis not observed in large population cohorts (Lek et al., 2016; 1000 Genomes Consortium et al., 2015; Exome VariantServer).

Literature cited by the submitters: PubMed 19574547 (cited by Labcorp Genetics (formerly Invitae), Labcorp); PubMed 23140321 (cited by Labcorp Genetics (formerly Invitae), Labcorp); PubMed 24510615 (cited by Labcorp Genetics (formerly Invitae), Labcorp).